The following is an entry in ClinVar:

ClinVar aggregate classification (germline): Uncertain significance (1 of 4 stars; one submission).

Submission:

GeneDx
Classification: Uncertain significance. Last evaluated: 2024-09-03. Review status: criteria provided, single submitter. Criteria: GeneDx Variant Classification Process June 2021. Collection method: clinical testing. Allele origin: germline. Affected: yes.
Comment: Not observed at significant frequency in large population cohorts (gnomAD); In silico analysis indicates that this missense variant does not alter protein structure/function; Has not been previously published as pathogenic or benign to our knowledge; Variants in candidate genes are classified as variants of uncertain significance in accordance with ACMG guidelines (PMID: 25741868)

NM_032242.4(PLXNA1):c.869C>G (p.Pro290Arg)

Gene: PLXNA1 (plexin A1; plus strand). Cytogenetic location: 3q21.3.
Variant type: single nucleotide variant.
Coding change: c.869C>G on transcript NM_032242.4 (MANE Select); coding-DNA position 869, C replaced by G.
Protein change: p.Pro290Arg; replaces proline 290 with arginine.
Molecular consequence: missense variant.
Genome position (GRCh38, 1-based): chr3:126,989,462, C>G. VCF-style: chr3-126989462-C-G. GRCh37 (hg19) VCF-style: chr3-126708305-C-G.
Other names: short protein forms P290R.
Identifiers: ClinVar variation 4686790 (VCV004686790.1).